The following is an entry in ClinVar:

NM_014423.4(AFF4):c.1571C>T (p.Thr524Met)

Gene: AFF4 (ALF transcription elongation factor 4; minus strand). Cytogenetic location: 5q31.1.
Variant type: single nucleotide variant.
Coding change: c.1571C>T on transcript NM_014423.4 (MANE Select); coding-DNA position 1571, C replaced by T.
Protein change: p.Thr524Met; replaces threonine 524 with methionine.
Molecular consequence: missense variant.
Genome position (GRCh38, 1-based): chr5:132,897,059, G>A on the plus strand (C>T on the coding strand, the complement: AFF4 is on the minus strand). VCF-style: chr5-132897059-G-A. GRCh37 (hg19) VCF-style: chr5-132232751-G-A.
Other names: short protein forms T524M.
Identifiers: ClinVar variation 2028804 (VCV002028804.5), dbSNP rs755243717, ClinGen allele CA3409069.
Genomic context (GRCh38, chr5:132,897,059, plus strand): 5'-CGCCCACTTTCTGATCCCTTTTGGATGGTTTTGGAGTCTCGTCCCGGAGTAGCGGAACTC[G>A]TTTCTTTAGGTCCACTTGTATCAGTGTAGCTATTCCCAGTGCCCTGCTCTCGGCCTTCCT-3'
Protein context (NP_055238.1, residues 514-534): SYTDTSGPKE[Thr524Met]SSATPGRDSK

ClinVar aggregate classification (germline): Uncertain significance. Review status: criteria provided, multiple submitters, no conflicts (2 of 4 stars). 2 submissions from 2 submitters: Uncertain significance (2). Last evaluated 2025-03-17.

Conditions:
Cognitive impairment - coarse facies - heart defects - obesity - pulmonary involvement - short stature - skeletal dysplasia syndrome. Also called: COGNITIVE IMPAIRMENT, COARSE FACIES, HEART DEFECTS, OBESITY, PULMONARY INVOLVEMENT, SHORT STATURE, AND SKELETAL DYSPLASIA; Chops syndrome; AFF4-Related CHOPS Syndrome. Identifiers: Orphanet 444077, MedGen C4085597, MONDO:0014609, OMIM 616368.
Inborn genetic diseases. Identifiers: MedGen C0950123, MeSH D030342.

Allele frequency attached by ClinVar (database versions not stated): ExAC 0.00001; TOPMed 0.00002; gnomAD 0.00003; gnomAD exomes 0.00004.
gnomAD v4.1: 59 of 1,614,002 alleles (0.0037%); highest among the groups gnomAD compares: Middle Eastern, 0.2%; no homozygotes.

Submissions (2):

Labcorp Genetics (formerly Invitae), Labcorp
Classification: Uncertain significance for Cognitive impairment - coarse facies - heart defects - obesity - pulmonary involvement - short stature - skeletal dysplasia syndrome. Last evaluated: 2025-03-17. Review status: criteria provided, single submitter. Criteria: Invitae Variant Classification Sherloc (09022015). Collection method: clinical testing. Allele origin: germline.
Comment: This sequence change replaces threonine, which is neutral and polar, with methionine, which is neutral and non-polar, at codon 524 of the AFF4 protein (p.Thr524Met). This variant is present in population databases (rs755243717, gnomAD 0.01%). This variant has not been reported in the literature in individuals affected with AFF4-related conditions. ClinVar contains an entry for this variant (Variation ID: 2028804). Invitae Evidence Modeling of protein sequence and biophysical properties (such as structural, functional, and spatial information, amino acid conservation, physicochemical variation, residue mobility, and thermodynamic stability) has been performed for this missense variant. However, the output from this modeling did not meet the statistical confidence thresholds required to predict the impact of this variant on AFF4 protein function. In summary, the available evidence is currently insufficient to determine the role of this variant in disease. Therefore, it has been classified as a Variant of Uncertain Significance.

Ambry Genetics
Classification: Uncertain significance for Inborn genetic diseases. Last evaluated: 2022-04-13. Review status: criteria provided, single submitter. Criteria: Ambry Variant Classification Scheme 2023. Collection method: clinical testing. Allele origin: germline.